The following is an entry in ClinVar:

NM_032043.3(BRIP1):c.2712C>A (p.Asp904Glu)

Gene: BRIP1 (BRCA1 interacting DNA helicase 1; minus strand). Cytogenetic location: 17q23.2.
Variant type: single nucleotide variant.
Coding change: c.2712C>A on transcript NM_032043.3 (MANE Select); coding-DNA position 2712, C replaced by A.
Protein change: p.Asp904Glu; replaces aspartic acid 904 with glutamic acid.
Molecular consequence: missense variant.
Genome position (GRCh38, 1-based): chr17:61,686,029, G>T on the plus strand (C>A on the coding strand, the complement: BRIP1 is on the minus strand). VCF-style: chr17-61686029-G-T. GRCh37 (hg19) VCF-style: chr17-59763390-G-T.
Other names: short protein forms D904E.
Identifiers: ClinVar variation 1019507 (VCV001019507.9), dbSNP rs1567731807, ClinGen allele CA400481685.

ClinVar aggregate classification (germline): Uncertain significance (1 of 4 stars; one submission).

Conditions:
Fanconi anemia complementation group J. Also called: BRIP1-Related Fanconi Anemia. Identifiers: Orphanet 84, MedGen C1836860, MONDO:0012187, OMIM 609054.
Familial cancer of breast. Also called: BREAST CANCER, FAMILIAL; hereditary breast carcinoma; Hereditary breast cancer. Identifiers: Orphanet 227535, MedGen C0346153, MONDO:0016419, OMIM 114480. Disease mechanism: loss of function.

Submission:

Labcorp Genetics (formerly Invitae), Labcorp
Classification: Uncertain significance for Familial cancer of breast; Fanconi anemia complementation group J. Last evaluated: 2020-07-07. Review status: criteria provided, single submitter. Criteria: Invitae Variant Classification Sherloc (09022015). Collection method: clinical testing. Allele origin: germline.
Comment: This sequence change replaces aspartic acid with glutamic acid at codon 904 of the BRIP1 protein (p.Asp904Glu). The aspartic acid residue is weakly conserved and there is a small physicochemical difference between aspartic acid and glutamic acid. This variant is not present in population databases (ExAC no frequency). This variant has not been reported in the literature in individuals with BRIP1-related conditions. Algorithms developed to predict the effect of missense changes on protein structure and function output the following: SIFT: "Tolerated"; PolyPhen-2: "Benign"; Align-GVGD: "Class C0". The glutamic acid amino acid residue is found in multiple mammalian species, suggesting that this missense change does not adversely affect protein function. These predictions have not been confirmed by published functional studies and their clinical significance is uncertain. In summary, the available evidence is currently insufficient to determine the role of this variant in disease. Therefore, it has been classified as a Variant of Uncertain Significance.